The following is an entry in ClinVar:

ClinVar aggregate classification (germline): Uncertain significance (1 of 4 stars; one submission).

Submission:

Ambry Genetics
Classification: Uncertain significance. Last evaluated: 2024-11-16. Review status: criteria provided, single submitter. Criteria: Ambry Variant Classification Scheme 2023. Collection method: clinical testing. Allele origin: germline.
Comment: The p.H259N variant (also known as c.775C>A), located in coding exon 1 of the EGLN2 gene, results from a C to A substitution at nucleotide position 775. The histidine at codon 259 is replaced by asparagine, an amino acid with similar properties. This amino acid position is conserved. In addition, the in silico prediction for this alteration is inconclusive. Based on the available evidence, the clinical significance of this variant remains unclear.

NM_080732.4(EGLN2):c.775C>A (p.His259Asn)

Genes: EGLN2 (egl-9 family hypoxia inducible factor 2; plus strand), RAB4B-EGLN2 (RAB4B-EGLN2 readthrough (NMD candidate); plus strand). Cytogenetic location: 19q13.2.
Variant type: single nucleotide variant.
Coding change: c.775C>A on transcript NM_080732.4 (MANE Select); coding-DNA position 775, C replaced by A.
Protein change: p.His259Asn; replaces histidine 259 with asparagine.
Molecular consequence: missense variant. On other transcripts: non-coding transcript variant (1).
Genome position (GRCh38, 1-based): chr19:40,801,347, C>A. VCF-style: chr19-40801347-C-A. GRCh37 (hg19) VCF-style: chr19-41307252-C-A.
Other names: c.775C>A, p.His259Asn (NM_053046.4); short protein forms H259N.
Identifiers: ClinVar variation 3507256 (VCV003507256.1).
Genomic context (GRCh38, chr19:40,801,347, plus strand): 5'-CAGATTGCCTGGGTGGAAGGCCATGAACCAGGCTGTCGAAGCATTGGTGCCCTCATGGCC[C>A]ATGTGGACGCCGTCATCCGCCACTGCGCAGGGCGGCTGGGCAGCTATGTCATCAACGGGC-3'
Protein context (NP_542770.2, residues 249-269): GCRSIGALMA[His259Asn]VDAVIRHCAG